The following is an entry in ClinVar:

ClinVar aggregate classification (germline): Uncertain significance. Review status: criteria provided, multiple submitters, no conflicts (2 of 4 stars). 4 submissions from 4 submitters: Uncertain significance (2). 2 of the submissions do not count toward it. Last evaluated 2020-03-03.

Conditions:
Charcot-Marie-Tooth disease dominant intermediate E. Also called: CHARCOT-MARIE-TOOTH NEUROPATHY WITH FOCAL SEGMENTAL GLOMERULONEPHRITIS. Identifiers: Orphanet 93114, MedGen C4302667, MONDO:0013758, OMIM 614455.
Focal segmental glomerulosclerosis 5 (FSGS5). Identifiers: Orphanet 656, MedGen C2750475, MONDO:0013191, OMIM 613237.
Inborn genetic diseases. Identifiers: MedGen C0950123, MeSH D030342.
INF2-related disorder. Also called: INF2-related condition.

Allele frequency attached by ClinVar (database versions not stated): gnomAD exomes below 0.00001; gnomAD 0.00002; TOPMed 0.00002.
gnomAD v4.1: 8 of 1,611,984 alleles (0.0005%); highest among the groups gnomAD compares: Non-Finnish European, 0.00068%; no homozygotes.

Submissions (4):

Labcorp Genetics (formerly Invitae), Labcorp
Classification: Uncertain significance for Charcot-Marie-Tooth disease dominant intermediate E; Focal segmental glomerulosclerosis 5. Last evaluated: 2020-03-03. Review status: criteria provided, single submitter. Criteria: Invitae Variant Classification Sherloc (09022015). Collection method: clinical testing. Allele origin: germline.
Comment: The current clinical and genetic evidence is not sufficient to establish whether loss-of-function variants in INF2 cause disease. In summary, the available evidence is currently insufficient to determine the role of this variant in disease. Therefore, it has been classified as a Variant of Uncertain Significance. Algorithms developed to predict the effect of sequence changes on RNA splicing suggest that this variant may disrupt the consensus splice site, but this prediction has not been confirmed by published transcriptional studies. This variant has not been reported in the literature in individuals with INF2-related conditions. This variant is not present in population databases (ExAC no frequency). This sequence change affects a donor splice site in intron 20 of the INF2 gene. It is expected to disrupt RNA splicing and likely results in an absent or disrupted protein product.

Ambry Genetics
Classification: Uncertain significance for Inborn genetic diseases. Last evaluated: 2020-02-13. Review status: criteria provided, single submitter. Criteria: Ambry Variant Classification Scheme 2023. Collection method: clinical testing. Allele origin: germline.
Comment: The c.3040+2T>C intronic variant results from a T to C substitution two nucleotides after coding exon 19 in the INF2 gene. This nucleotide position is highly conserved in available vertebrate species. Using the BDGP and ESEfinder splice site prediction tools, this alteration is predicted to abolish the native splice donor site; however, direct evidence is unavailable. Alterations that disrupt the canonical splice site are expected to cause aberrant splicing, resulting in an abnormal protein or a transcript that is subject to nonsense-mediated mRNA decay. However, loss of function of INF2 has not been clearly established as a mechanism of disease. Since supporting evidence is limited at this time, the clinical significance of this alteration remains unclear.

PreventionGenetics, part of Exact Sciences
Classification: Uncertain significance for INF2-related condition. Last evaluated: 2024-08-24. Review status: no assertion criteria provided. Collection method: clinical testing. Allele origin: germline. Not counted in ClinVar's aggregate classification.
Comment: The INF2 c.3040+2T>C variant is predicted to disrupt the GT donor site and interfere with normal splicing. To our knowledge, this variant has not been reported in the literature. This variant is reported in 0.00091% of alleles in individuals of European (Non-Finnish) descent in gnomAD. At this time, the clinical significance of this variant is uncertain due to the absence of conclusive functional and genetic evidence.

Bioscientia Institut fuer Medizinische Diagnostik GmbH, Sonic Healthcare
Classification: Uncertain significance for Focal segmental glomerulosclerosis 5. Last evaluated: 2019-03-14. Review status: no assertion criteria provided. Collection method: clinical testing. Allele origin: germline. Affected: yes. Not counted in ClinVar's aggregate classification.

NM_022489.4(INF2):c.3040+2T>C

Gene: INF2 (inverted formin 2; plus strand). Cytogenetic location: 14q32.33.
Variant type: single nucleotide variant.
Coding change: c.3040+2T>C on transcript NM_022489.4 (MANE Select); the canonical splice donor site of the intron after coding-DNA position 3040, T replaced by C.
Molecular consequence: splice donor variant.
Genome position (GRCh38, 1-based): chr14:104,713,608, T>C. VCF-style: chr14-104713608-T-C. GRCh37 (hg19) VCF-style: chr14-105179945-T-C.
Other names: c.3040+2T>C (NM_001031714.4).
Identifiers: ClinVar variation 829931 (VCV000829931.11), dbSNP rs1437272364, ClinGen allele CA391223246.